The following is an entry in ClinVar:

ClinVar aggregate classification (germline): Uncertain significance (1 of 4 stars; one submission).

Conditions:
TTN-related disorder. Also called: TTN-related disorders; TTN-related condition; TTN-related disease.

gnomAD v4.1: 58 of 1,612,014 alleles (0.0036%); highest among the groups gnomAD compares: South Asian, 0.035%; no homozygotes.

Submission:

PreventionGenetics, part of Exact Sciences
Classification: Uncertain significance for TTN-related condition. Last evaluated: 2026-02-11. Review status: criteria provided, single submitter. Criteria: ACMG Guidelines, 2015. Collection method: clinical testing. Allele origin: germline.
Comment: The TTN c.35392G>A variant is predicted to result in the amino acid substitution p.Glu11798Lys. To our knowledge, this variant has not been reported in the literature. This variant is reported in 0.032% of alleles in individuals of Latino descent in gnomAD. At this time, the clinical significance of this variant is uncertain due to the absence of conclusive functional and genetic evidence.

NM_001267550.2(TTN):c.35392G>A (p.Glu11798Lys)

Gene: TTN (titin; minus strand). Cytogenetic location: 2q31.2.
Variant type: single nucleotide variant.
Coding change: c.35392G>A on transcript NM_001267550.2 (MANE Select); coding-DNA position 35392, G replaced by A.
Protein change: p.Glu11798Lys; replaces glutamic acid 11798 with lysine.
Molecular consequence: missense variant. On other transcripts: intron variant (5).
Genome position (GRCh38, 1-based): chr2:178,669,670, C>T on the plus strand (G>A on the coding strand, the complement: TTN is on the minus strand). VCF-style: chr2-178669670-C-T. GRCh37 (hg19) VCF-style: chr2-179534397-C-T.
Other names: c.13283-27353G>A (NM_003319.4); c.13859-27353G>A (NM_133437.4); c.13658-27353G>A (NM_133432.3); c.31483+548G>A (NM_133378.4); c.34264+548G>A (NM_001256850.1); short protein forms E11798K.
Identifiers: ClinVar variation 4986510 (VCV004986510.1).